The following is an entry in ClinVar:

ClinVar aggregate classification (germline): Likely pathogenic (1 of 4 stars; one submission).

Conditions:
Usher syndrome type 1D (USH1D). Also called: USHER SYNDROME, TYPE ID. Identifiers: Orphanet 231169, Orphanet 886, MedGen C1832845, MONDO:0010984, OMIM 601067.

Submission:

Myriad Genetics, Inc.
Classification: Likely pathogenic for Usher syndrome type 1D. Last evaluated: 2021-12-27. Review status: criteria provided, single submitter. Criteria: Myriad Women's Health Autosomal Recessive and X-Linked Classification Criteria (2021). Collection method: clinical testing. Allele origin: unknown.
Comment: NM_033056.3(PCDH15):c.1316delC(P439Qfs*7) is expected to be pathogenic in the context of PCDH15-related disorders. This variant is predicted to lead to an abnormal or absent protein product due to the creation of a premature termination codon in PCDH15, a gene where loss-of-function variants are known to be pathogenic. Please note: this variant was assessed in the context of healthy population screening.

NM_001384140.1(PCDH15):c.1316del (p.Pro439fs)

Gene: PCDH15 (protocadherin related 15; minus strand). Cytogenetic location: 10q21.1.
Variant type: Deletion.
Coding change: c.1316del on transcript NM_001384140.1 (MANE Select); coding-DNA position 1316, one base deleted (C; older notation c.1316delC).
Protein change: p.Pro439fs; shifts the reading frame from proline 439.
Molecular consequence: frameshift variant.
Genome position (GRCh38, 1-based): chr10:54,185,258, G deleted on the plus strand (C on the coding strand, the reverse complement: PCDH15 is on the minus strand); the first of 3 consecutive G bases (chr10:54,185,258-54,185,260); deleting any one gives the same sequence. VCF-style (leftmost placement, unchanged base first): chr10-54185257-TG-T. GRCh37 (hg19) VCF-style: chr10-55945017-TG-T.
Other names: c.1331del, p.Pro444fs (NM_001142763.2, NM_001142771.2); c.1316del, p.Pro439fs (NM_001142764.2, NM_001142765.2, NM_001142766.2 and 6 more transcripts); c.1205del, p.Pro402fs (NM_001142767.2); c.1250del, p.Pro417fs (NM_001142768.2, NM_001142773.2, NM_001354404.2); c.1350delC, p.Pro451Glnfs (NM_001142769.4); c.1337del, p.Pro446fs (NM_001354411.2); short protein forms P402fs, P417fs, P439fs, P444fs, P446fs, P451fs.
Identifiers: ClinVar variation 1726615 (VCV001726615.2), dbSNP rs2539510842, ClinGen allele CA2580081654.